The following is an entry in ClinVar:

ClinVar aggregate classification (germline): Uncertain significance (1 of 4 stars; one submission).

Conditions:
PTPRQ-related disorder. Also called: PTPRQ-related condition.

gnomAD v4.1: 1 of 1,549,850 alleles (0.000065%); highest among the groups gnomAD compares: Non-Finnish European, 0.000087%; no homozygotes.

Submission:

PreventionGenetics, part of Exact Sciences
Classification: Uncertain significance for PTPRQ-related condition. Last evaluated: 2026-01-26. Review status: criteria provided, single submitter. Criteria: ACMG Guidelines, 2015. Collection method: clinical testing. Allele origin: germline.
Comment: The PTPRQ c.1330G>A variant is predicted to result in the amino acid substitution p.Glu444Lys. To our knowledge, this variant has not been reported in the literature or in a large population database (gnomAD), indicating this variant is rare. At this time, the clinical significance of this variant is uncertain due to the absence of conclusive functional and genetic evidence.

NM_001145026.2(PTPRQ):c.1330G>A (p.Glu444Lys)

Gene: PTPRQ (protein tyrosine phosphatase receptor type Q; plus strand). Cytogenetic location: 12q21.31.
Variant type: single nucleotide variant.
Coding change: c.1330G>A on transcript NM_001145026.2 (MANE Select); coding-DNA position 1330, G replaced by A.
Protein change: p.Glu444Lys; replaces glutamic acid 444 with lysine.
Molecular consequence: missense variant.
Genome position (GRCh38, 1-based): chr12:80,484,576, G>A. VCF-style: chr12-80484576-G-A. GRCh37 (hg19) VCF-style: chr12-80878355-G-A.
Other names: short protein forms E444K.
Identifiers: ClinVar variation 4995208 (VCV004995208.1).